The following is an entry in ClinVar:

NM_001394998.1(TANC2):c.5017T>C (p.Tyr1673His)

Gene: TANC2 (tetratricopeptide repeat, ankyrin repeat and coiled-coil containing 2; plus strand). Cytogenetic location: 17q23.3.
Variant type: single nucleotide variant.
Coding change: c.5017T>C on transcript NM_001394998.1 (MANE Select); coding-DNA position 5017, T replaced by C.
Protein change: p.Tyr1673His; replaces tyrosine 1673 with histidine.
Molecular consequence: missense variant.
Genome position (GRCh38, 1-based): chr17:63,420,747, T>C. VCF-style: chr17-63420747-T-C. GRCh37 (hg19) VCF-style: chr17-61498108-T-C.
Other names: c.4795T>C, p.Tyr1599His (NM_001411076.1); c.4765T>C, p.Tyr1589His (NM_025185.4); short protein forms Y1673H, Y1589H, Y1599H.
Identifiers: ClinVar variation 2466333 (VCV002466333.3), dbSNP rs180736177, ClinGen allele CA292876235.

ClinVar aggregate classification (germline): Uncertain significance. Review status: criteria provided, multiple submitters, no conflicts (2 of 4 stars). 2 submissions from 2 submitters: Uncertain significance (2). Last evaluated 2025-06-24.

Conditions:
TANC2-related disorder. Also called: TANC2-related condition.
Inborn genetic diseases. Identifiers: MedGen C0950123, MeSH D030342.

Allele frequency attached by ClinVar (database versions not stated): gnomAD exomes 0.00001; gnomAD 0.00011; 1000 Genomes Project 30x 0.00016; 1000 Genomes Project 0.00020; TOPMed 0.00030.
gnomAD v4.1: 43 of 1,614,004 alleles (0.0027%); highest among the groups gnomAD compares: Admixed American, 0.05%; 1 homozygote.

Submissions (2):

PreventionGenetics, part of Exact Sciences
Classification: Uncertain significance for TANC2-related condition. Last evaluated: 2025-06-24. Review status: criteria provided, single submitter. Criteria: ACMG Guidelines, 2015. Collection method: clinical testing. Allele origin: germline.
Comment: The TANC2 c.4765T>C variant is predicted to result in the amino acid substitution p.Tyr1589His. To our knowledge, this variant has not been reported in the literature. This variant is reported in 0.0029% of alleles in individuals of Latino descent in gnomAD. At this time, the clinical significance of this variant is uncertain due to the absence of conclusive functional and genetic evidence.

Ambry Genetics
Classification: Uncertain significance for Inborn genetic diseases. Last evaluated: 2023-02-28. Review status: criteria provided, single submitter. Criteria: Ambry Variant Classification Scheme 2023. Collection method: clinical testing. Allele origin: germline.